The following is an entry in ClinVar:

NM_005535.3(IL12RB1):c.1792-67G>A

Gene: IL12RB1 (interleukin 12 receptor subunit beta 1; minus strand). Cytogenetic location: 19p13.11.
Variant type: single nucleotide variant.
Coding change: c.1792-67G>A on transcript NM_005535.3 (MANE Select); 67 bases into the intron before coding-DNA position 1792, G replaced by A.
Molecular consequence: intron variant.
Genome position (GRCh38, 1-based): chr19:18,060,152, C>T on the plus strand (G>A on the coding strand, the complement: IL12RB1 is on the minus strand). VCF-style: chr19-18060152-C-T. GRCh37 (hg19) VCF-style: chr19-18170962-C-T.
Other names: c.1912-67G>A (NM_001290024.2); c.1792-67G>A (NM_001290023.2); c.1813-67G>A (NM_001440425.1, NM_001440424.1).
Identifiers: ClinVar variation 2688419 (VCV002688419.2), dbSNP rs1870063, ClinGen allele CA14657159.

ClinVar aggregate classification (germline): Benign (1 of 4 stars; one submission).

Allele frequency attached by ClinVar (database versions not stated): 1000 Genomes Project 30x 0.17801; 1000 Genomes Project 0.18051; TOPMed 0.25280; gnomAD 0.27900.
gnomAD v4.1: 289,829 of 840,986 alleles (34%); highest among the groups gnomAD compares: Non-Finnish European, 40%; 54,388 homozygotes.

Submission:

Unidad de Genómica Garrahan, Hospital de Pediatría Garrahan
Classification: Benign. Last evaluated: 2024-01-24. Review status: criteria provided, single submitter. Criteria: ACMG Guidelines, 2015. Collection method: clinical testing. Allele origin: germline. Affected: no. Observed: 43 variant alleles.
Comment: This variant is classified as Benign based on local population frequency. This variant was detected in 49% of patients studied by a panel of primary immunodeficiencies. Number of patients: 43. Only high quality variants are reported.